The following is an entry in ClinVar:

NM_000283.4(PDE6B):c.469-5G>A

Gene: PDE6B (phosphodiesterase 6B; plus strand). Cytogenetic location: 4p16.3.
Variant type: single nucleotide variant.
Coding change: c.469-5G>A on transcript NM_000283.4 (MANE Select); 5 bases into the intron before coding-DNA position 469, G replaced by A.
Molecular consequence: intron variant.
Genome position (GRCh38, 1-based): chr4:634,672, G>A. VCF-style: chr4-634672-G-A. GRCh37 (hg19) VCF-style: chr4-628461-G-A.
Other names: c.469-5G>A (NM_001145291.2).
Identifiers: ClinVar variation 349307 (VCV000349307.15), dbSNP rs530695084, ClinGen allele CA2793974.

ClinVar aggregate classification (germline): Uncertain significance. Review status: criteria provided, multiple submitters, no conflicts (2 of 4 stars). 4 submissions from 3 submitters: Uncertain significance (4). Last evaluated 2026-01-05.

Conditions:
Retinitis pigmentosa (RP). Identifiers: Orphanet 791, MedGen C0035334, MeSH D012174, MONDO:0019200, OMIM 268000. Inheritance: Autosomal dominant, autosomal recessive and X linked inheritance.
Congenital stationary night blindness autosomal dominant 2. Also called: NIGHT BLINDNESS, CONGENITAL STATIONARY, RAMBUSCH TYPE. Identifiers: Orphanet 215, MedGen C1876182, MONDO:0008099, OMIM 163500.

Allele frequency attached by ClinVar (database versions not stated): gnomAD 0.00002; TOPMed 0.00005.
gnomAD v4.1: 42 of 1,611,476 alleles (0.0026%); highest among the groups gnomAD compares: African/African-American, 0.0067%; no homozygotes.

Submissions (4):

Labcorp Genetics (formerly Invitae), Labcorp
Classification: Uncertain significance. Last evaluated: 2026-01-05. Review status: criteria provided, single submitter. Criteria: Invitae Variant Classification Sherloc (09022015). Collection method: clinical testing. Allele origin: germline.
Comment: This sequence change falls in intron 1 of the PDE6B gene. It does not directly change the encoded amino acid sequence of the PDE6B protein. This variant is present in population databases (rs530695084, gnomAD 0.004%). This variant has not been reported in the literature in individuals affected with PDE6B-related conditions. ClinVar contains an entry for this variant (Variation ID: 349307). Algorithms developed to predict the effect of sequence changes on RNA splicing suggest that this variant may disrupt the consensus splice site. In summary, the available evidence is currently insufficient to determine the role of this variant in disease. Therefore, it has been classified as a Variant of Uncertain Significance.

Blueprint Genetics
Classification: Uncertain significance. Last evaluated: 2021-02-25. Review status: criteria provided, single submitter. Criteria: ACMG Guidelines, 2015. Collection method: clinical testing. Allele origin: germline.

Illumina Laboratory Services, Illumina
Classification: Uncertain significance for Congenital stationary night blindness autosomal dominant 2. Last evaluated: 2018-01-13. Review status: criteria provided, single submitter. Criteria: ICSL Variant Classification Criteria 13 December 2019. Collection method: clinical testing. Allele origin: germline.

Illumina Laboratory Services, Illumina
Classification: Uncertain significance for Retinitis pigmentosa. Last evaluated: 2018-01-13. Review status: criteria provided, single submitter. Criteria: ICSL Variant Classification Criteria 13 December 2019. Collection method: clinical testing. Allele origin: germline.